The following is an entry in ClinVar:

ClinVar aggregate classification (germline): Uncertain significance. Review status: criteria provided, multiple submitters, no conflicts (2 of 4 stars). 3 submissions from 3 submitters: Uncertain significance (3). Last evaluated 2023-04-11.

Conditions:
Developmental and epileptic encephalopathy, 18 (DEE18). Also called: Early infantile epileptic encephalopathy 18. Identifiers: Orphanet 369894, MedGen C3809624, MONDO:0014201, OMIM 615476.
Inborn genetic diseases. Identifiers: MedGen C0950123, MeSH D030342.

Allele frequency attached by ClinVar (database versions not stated): gnomAD 0.00001; TOPMed 0.00001; gnomAD exomes 0.00002.
gnomAD v4.1: 35 of 1,613,408 alleles (0.0022%); highest among the groups gnomAD compares: Non-Finnish European, 0.0029%; no homozygotes.

Submissions (3):

Genome-Nilou Lab
Classification: Uncertain significance for Developmental and epileptic encephalopathy, 18. Last evaluated: 2023-04-11. Review status: criteria provided, single submitter. Criteria: ACMG Guidelines, 2015. Collection method: clinical testing. Allele origin: germline. Affected: no.

Ambry Genetics
Classification: Uncertain significance for Inborn genetic diseases. Last evaluated: 2021-10-06. Review status: criteria provided, single submitter. Criteria: Ambry Variant Classification Scheme 2023. Collection method: clinical testing. Allele origin: germline.

Labcorp Genetics (formerly Invitae), Labcorp
Classification: Uncertain significance. Last evaluated: 2021-08-13. Review status: criteria provided, single submitter. Criteria: Invitae Variant Classification Sherloc (09022015). Collection method: clinical testing. Allele origin: germline.
Comment: This sequence change replaces arginine with glutamine at codon 2980 of the SZT2 protein (p.Arg2980Gln). The arginine residue is highly conserved and there is a small physicochemical difference between arginine and glutamine. This variant is not present in population databases (ExAC no frequency). This variant has not been reported in the literature in individuals affected with SZT2-related conditions. Algorithms developed to predict the effect of missense changes on protein structure and function are either unavailable or do not agree on the potential impact of this missense change (SIFT: "Tolerated"; PolyPhen-2: "Probably Damaging"; Align-GVGD: "Class C0"). In summary, the available evidence is currently insufficient to determine the role of this variant in disease. Therefore, it has been classified as a Variant of Uncertain Significance.

NM_001365999.1(SZT2):c.9110G>A (p.Arg3037Gln)

Gene: SZT2 (SZT2 subunit of KICSTOR complex; plus strand). Cytogenetic location: 1p34.2.
Variant type: single nucleotide variant.
Coding change: c.9110G>A on transcript NM_001365999.1 (MANE Select); coding-DNA position 9110, G replaced by A.
Protein change: p.Arg3037Gln; replaces arginine 3037 with glutamine.
Molecular consequence: missense variant.
Genome position (GRCh38, 1-based): chr1:43,446,992, G>A. VCF-style: chr1-43446992-G-A. GRCh37 (hg19) VCF-style: chr1-43912663-G-A.
Other names: c.8939G>A, p.Arg2980Gln (NM_015284.4); c.8939G>A (NM_015284.3); short protein forms R2980Q, R3037Q.
Identifiers: ClinVar variation 1061216 (VCV001061216.7), dbSNP rs199743574, ClinGen allele CA21652043.